The following is an entry in ClinVar:

ClinVar aggregate classification (germline): Uncertain significance. Review status: criteria provided, multiple submitters, no conflicts (2 of 4 stars). 2 submissions from 2 submitters: Uncertain significance (2). Last evaluated 2025-08-26.

Conditions:
Inborn genetic diseases. Identifiers: MedGen C0950123, MeSH D030342.

Submissions (2):

Ambry Genetics
Classification: Uncertain significance for Inborn genetic diseases. Last evaluated: 2025-08-26. Review status: criteria provided, single submitter. Criteria: Ambry Variant Classification Scheme 2023. Collection method: clinical testing. Allele origin: germline.
Comment: The c.1259-6_1259-3delGTTT intronic variant begins 3 nucleotides before coding exon 5 in the MBD4 gene. This variant results from a deletion of 4 nucleotides at positions c.1259-3 to c.1259-6. This nucleotide region is not well conserved in available vertebrate species. In silico splice site analysis predicts that this alteration may weaken the native splice acceptor site. Based on the available evidence, the clinical significance of this variant remains unclear.

Labcorp Genetics (formerly Invitae), Labcorp
Classification: Uncertain significance. Last evaluated: 2025-02-26. Review status: criteria provided, single submitter. Criteria: Invitae Variant Classification Sherloc (09022015). Collection method: clinical testing. Allele origin: germline.
Comment: This sequence change falls in intron 4 of the MBD4 gene. It does not directly change the encoded amino acid sequence of the MBD4 protein. This variant is present in population databases (rs764777920, gnomAD 0.003%). This variant has not been reported in the literature in individuals affected with MBD4-related conditions. Algorithms developed to predict the effect of sequence changes on RNA splicing suggest that this variant may disrupt the consensus splice site. In summary, the available evidence is currently insufficient to determine the role of this variant in disease. Therefore, it has been classified as a Variant of Uncertain Significance.

NM_001276270.2(MBD4):c.1259-6_1259-3del

Gene: MBD4 (methyl-CpG binding domain 4, DNA glycosylase; minus strand). Cytogenetic location: 3q21.3.
Variant type: Microsatellite.
Coding change: c.1259-6_1259-3del on transcript NM_001276270.2 (MANE Select); 6 bases into the intron before coding-DNA position 1259 through 3 bases into the intron before coding-DNA position 1259, 4 bases deleted (GTTT; older notation c.1259-6_1259-3delGTTT).
Molecular consequence: intron variant.
Genome position (GRCh38, 1-based): chr3:129,433,987-129,433,990, AAAC deleted on the plus strand (GTTT on the coding strand, the reverse complement: MBD4 is on the minus strand); deleting any 4 consecutive bases within chr3:129,433,987-129,433,995 gives the same sequence; the c. name uses the placement nearest the transcript's 3' end. VCF-style (leftmost placement, unchanged base first): chr3-129433986-TAAAC-T. GRCh37 (hg19) VCF-style: chr3-129152829-TAAAC-T.
Other names: c.323-6_323-3del (NM_001276273.2); c.1277-6_1277-3del (NM_001276272.2, NM_003925.3, NM_001276271.2); c.1259-6_1259-3delGTTT (NM_001276270.2).
Identifiers: ClinVar variation 2798744 (VCV002798744.4), dbSNP rs764777920, ClinGen allele CA2605344.